The following is an entry in ClinVar:

ClinVar aggregate classification (germline): Uncertain significance (1 of 4 stars; one submission).

Allele frequency attached by ClinVar (database versions not stated): gnomAD exomes below 0.00001; gnomAD 0.00001; TOPMed 0.00001.
gnomAD v4.1: 6 of 1,603,148 alleles (0.00037%); highest among the groups gnomAD compares: South Asian, 0.0034%; no homozygotes.

Submission:

Labcorp Genetics (formerly Invitae), Labcorp
Classification: Uncertain significance. Last evaluated: 2021-03-29. Review status: criteria provided, single submitter. Criteria: Invitae Variant Classification Sherloc (09022015). Collection method: clinical testing. Allele origin: germline.
Comment: In summary, the available evidence is currently insufficient to determine the role of this variant in disease. Therefore, it has been classified as a Variant of Uncertain Significance. Algorithms developed to predict the effect of missense changes on protein structure and function output the following: SIFT: "Tolerated"; PolyPhen-2: "Benign"; Align-GVGD: "Class C0". The threonine amino acid residue is found in multiple mammalian species, suggesting that this missense change does not adversely affect protein function. These predictions have not been confirmed by published functional studies and their clinical significance is uncertain. This variant has not been reported in the literature in individuals with KIF11-related conditions. This variant is not present in population databases (ExAC no frequency). This sequence change replaces isoleucine with threonine at codon 714 of the KIF11 protein (p.Ile714Thr). The isoleucine residue is weakly conserved and there is a moderate physicochemical difference between isoleucine and threonine.

NM_004523.4(KIF11):c.2141T>C (p.Ile714Thr)

Gene: KIF11 (kinesin family member 11; plus strand). Cytogenetic location: 10q23.33.
Variant type: single nucleotide variant.
Coding change: c.2141T>C on transcript NM_004523.4 (MANE Select); coding-DNA position 2141, T replaced by C.
Protein change: p.Ile714Thr; replaces isoleucine 714 with threonine.
Molecular consequence: missense variant.
Genome position (GRCh38, 1-based): chr10:92,637,526, T>C. VCF-style: chr10-92637526-T-C. GRCh37 (hg19) VCF-style: chr10-94397283-T-C.
Other names: short protein forms I714T.
Identifiers: ClinVar variation 1470559 (VCV001470559.8), dbSNP rs1254287244, ClinGen allele CA377593504.